The following is an entry in ClinVar:

NM_018060.4(IARS2):c.692A>G (p.Tyr231Cys)

Gene: IARS2 (isoleucyl-tRNA synthetase 2, mitochondrial; plus strand). Cytogenetic location: 1q41.
Variant type: single nucleotide variant.
Coding change: c.692A>G on transcript NM_018060.4 (MANE Select); coding-DNA position 692, A replaced by G.
Protein change: p.Tyr231Cys; replaces tyrosine 231 with cysteine.
Molecular consequence: missense variant.
Genome position (GRCh38, 1-based): chr1:220,102,270, A>G. VCF-style: chr1-220102270-A-G. GRCh37 (hg19) VCF-style: chr1-220275612-A-G.
Other names: short protein forms Y231C.
Identifiers: ClinVar variation 2182206 (VCV002182206.4), dbSNP rs1656593283, ClinGen allele CA344625886.

ClinVar aggregate classification (germline): Uncertain significance (1 of 4 stars; one submission).

Allele frequency attached by ClinVar (database versions not stated): gnomAD exomes below 0.00001; TOPMed below 0.00001.
gnomAD v4.1: 1 of 1,607,152 alleles (0.000062%); highest among the groups gnomAD compares: Non-Finnish European, 0.000085%; no homozygotes.

Submission:

Labcorp Genetics (formerly Invitae), Labcorp
Classification: Uncertain significance. Last evaluated: 2022-11-01. Review status: criteria provided, single submitter. Criteria: Invitae Variant Classification Sherloc (09022015). Collection method: clinical testing. Allele origin: germline.
Comment: In summary, the available evidence is currently insufficient to determine the role of this variant in disease. Therefore, it has been classified as a Variant of Uncertain Significance. Algorithms developed to predict the effect of missense changes on protein structure and function (SIFT, PolyPhen-2, Align-GVGD) all suggest that this variant is likely to be disruptive. This variant has not been reported in the literature in individuals affected with IARS2-related conditions. This variant is not present in population databases (gnomAD no frequency). This sequence change replaces tyrosine, which is neutral and polar, with cysteine, which is neutral and slightly polar, at codon 231 of the IARS2 protein (p.Tyr231Cys).